The following is an entry in ClinVar:

NM_000271.5(NPC1):c.1947+12_1947+13insGGT

Gene: NPC1 (NPC intracellular cholesterol transporter 1; minus strand). Cytogenetic location: 18q11.2.
Variant type: Insertion.
Coding change: c.1947+12_1947+13insGGT on transcript NM_000271.5 (MANE Select); bases 12 to 13 of the intron after coding-DNA position 1947, GGT inserted.
Molecular consequence: intron variant.
Genome position: GRCh38 VCF-style: chr18-23544947-C-CCCA. GRCh37 (hg19) VCF-style: chr18-21124911-C-CCCA.
Other names: c.1947+12_1947+13insTGG (NM_000271.4).
Identifiers: ClinVar variation 1531397 (VCV001531397.10), dbSNP rs1555634658, ClinGen allele CA8913308.
Genomic context (GRCh38, chr18:23,544,947, plus strand): 5'-GAGGCAAAAATATGACGTTACACTGTGCACTGCTGTTAACCTCTAGAACATACACCACCC[C>CCCA]CCCCCGGCTTACCAGAAGCCTGCGACAGCTTTTCATGTGCCCCAAGGCTAGGGAAATATA-3'

ClinVar aggregate classification (germline): Likely benign. Review status: criteria provided, single submitter (1 of 4 stars). 2 submissions from 2 submitters: Likely benign (1). 1 of the submissions does not count toward it. Last evaluated 2026-01-06.

Conditions:
Niemann-Pick disease, type C1. Also called: NEUROVISCERAL STORAGE DISEASE WITH VERTICAL SUPRANUCLEAR OPHTHALMOPLEGIA; NIEMANN-PICK DISEASE WITH CHOLESTEROL ESTERIFICATION BLOCK; NIEMANN-PICK DISEASE WITHOUT SPHINGOMYELINASE DEFICIENCY; NIEMANN-PICK DISEASE, CHRONIC NEURONOPATHIC FORM; NIEMANN-PICK DISEASE, VARIANT TYPE C1. Identifiers: Orphanet 646, MedGen C3179455, MONDO:0009757, OMIM 257220.
NPC1-related disorder. Also called: NPC1-related condition.

Submissions (2):

Labcorp Genetics (formerly Invitae), Labcorp
Classification: Likely benign for Niemann-Pick disease, type C1. Last evaluated: 2026-01-06. Review status: criteria provided, single submitter. Criteria: Invitae Variant Classification Sherloc (09022015). Collection method: clinical testing. Allele origin: germline.

PreventionGenetics, part of Exact Sciences
Classification: Likely benign for NPC1-related condition. Last evaluated: 2022-11-02. Review status: no assertion criteria provided. Collection method: clinical testing. Allele origin: germline. Not counted in ClinVar's aggregate classification.
Comment: This variant is classified as likely benign based on ACMG/AMP sequence variant interpretation guidelines (Richards et al. 2015 PMID: 25741868, with internal and published modifications).